The following is an entry in ClinVar:

NM_001079668.3(NKX2-1):c.965A>G (p.His322Arg)

Genes: NKX2-1 (NK2 homeobox 1; minus strand), SFTA3 (surfactant associated 3; minus strand). Cytogenetic location: 14q13.3.
Variant type: single nucleotide variant.
Coding change: c.965A>G on transcript NM_001079668.3 (MANE Select); coding-DNA position 965, A replaced by G.
Protein change: p.His322Arg; replaces histidine 322 with arginine.
Molecular consequence: missense variant.
Genome position (GRCh38, 1-based): chr14:36,517,519, T>C on the plus strand (A>G on the coding strand, the complement: NKX2-1 is on the minus strand). VCF-style: chr14-36517519-T-C. GRCh37 (hg19) VCF-style: chr14-36986724-T-C.
Other names: c.875A>G, p.His292Arg (NM_003317.4); short protein forms H292R, H322R.
Identifiers: ClinVar variation 2573887 (VCV002573887.2), dbSNP rs2502626768, ClinGen allele CA389458599.

ClinVar aggregate classification (germline): Uncertain significance (1 of 4 stars; one submission).

Allele frequency attached by ClinVar (database versions not stated): gnomAD exomes below 0.00001.

Submission:

GeneDx
Classification: Uncertain significance. Last evaluated: 2026-08-24. Review status: criteria provided, single submitter. Criteria: GeneDx Variant Classification Process June 2021. Collection method: clinical testing. Allele origin: germline.
Comment: Not observed at significant frequency in large population cohorts (gnomAD); In silico analysis suggests that this missense variant does not alter protein structure/function; Has not been previously published as pathogenic or benign to our knowledge